The following is an entry in ClinVar:

ClinVar aggregate classification (germline): Uncertain significance. Review status: criteria provided, multiple submitters, no conflicts (2 of 4 stars). 3 submissions from 3 submitters: Uncertain significance (3). Last evaluated 2024-11-24.

Conditions:
Cardiovascular phenotype. Identifiers: MedGen CN230736.
Long QT syndrome (LQTS). Identifiers: MedGen C0023976, MeSH D008133, MONDO:0002442. Disease mechanism: loss of function. Inheritance: Various modes of inheritance.
Timothy syndrome (TS). Also called: LONG QT SYNDROME WITH SYNDACTYLY. Identifiers: Orphanet 65283, MedGen C1832916, MeSH C536962, MONDO:0010979, OMIM 601005.
Long QT syndrome 8. Identifiers: MedGen CN260585, MONDO:0032756, OMIM 618447.
Brugada syndrome 3 (BRGDA3). Identifiers: Orphanet 130, MedGen C2678478, MONDO:0012742, OMIM 611875.

Allele frequency attached by ClinVar (database versions not stated): gnomAD exomes below 0.00001; gnomAD 0.00001; TOPMed 0.00001.
gnomAD v4.1: 3 of 1,605,644 alleles (0.00019%); highest among the groups gnomAD compares: Non-Finnish European, 0.00026%; no homozygotes.

Submissions (3):

Labcorp Genetics (formerly Invitae), Labcorp
Classification: Uncertain significance for Long QT syndrome. Last evaluated: 2024-11-24. Review status: criteria provided, single submitter. Criteria: Invitae Variant Classification Sherloc (09022015). Collection method: clinical testing. Allele origin: germline.
Comment: This sequence change replaces lysine, which is basic and polar, with arginine, which is basic and polar, at codon 1054 of the CACNA1C protein (p.Lys1054Arg). This variant is present in population databases (no rsID available, gnomAD 0.007%). This variant has not been reported in the literature in individuals affected with CACNA1C-related conditions. ClinVar contains an entry for this variant (Variation ID: 574016). Invitae Evidence Modeling of protein sequence and biophysical properties (such as structural, functional, and spatial information, amino acid conservation, physicochemical variation, residue mobility, and thermodynamic stability) indicates that this missense variant is not expected to disrupt CACNA1C protein function with a negative predictive value of 95%. In summary, the available evidence is currently insufficient to determine the role of this variant in disease. Therefore, it has been classified as a Variant of Uncertain Significance.

Ambry Genetics
Classification: Uncertain significance for Cardiovascular phenotype. Last evaluated: 2023-06-26. Review status: criteria provided, single submitter. Criteria: Ambry Variant Classification Scheme 2023. Collection method: clinical testing. Allele origin: germline.
Comment: The p.K1054R variant (also known as c.3161A>G), located in coding exon 25 of the CACNA1C gene, results from an A to G substitution at nucleotide position 3161. The lysine at codon 1054 is replaced by arginine, an amino acid with highly similar properties. This amino acid position is highly conserved in available vertebrate species. In addition, this alteration is predicted to be deleterious by in silico analysis. Since supporting evidence is limited at this time, the clinical significance of this alteration remains unclear.

Fulgent Genetics
Classification: Uncertain significance for Timothy syndrome; Brugada syndrome 3; Long QT syndrome 8. Last evaluated: 2021-10-21. Review status: criteria provided, single submitter. Criteria: ACMG Guidelines, 2015. Collection method: clinical testing. Allele origin: unknown.

NM_000719.7(CACNA1C):c.3161A>G (p.Lys1054Arg)

Gene: CACNA1C (calcium voltage-gated channel subunit alpha1 C; plus strand). Cytogenetic location: 12p13.33.
Variant type: single nucleotide variant.
Coding change: c.3161A>G on transcript NM_000719.7 (MANE Select); coding-DNA position 3161, A replaced by G.
Protein change: p.Lys1054Arg; replaces lysine 1054 with arginine.
Molecular consequence: missense variant.
Genome position (GRCh38, 1-based): chr12:2,606,615, A>G. VCF-style: chr12-2606615-A-G. GRCh37 (hg19) VCF-style: chr12-2715781-A-G.
Other names: c.3221A>G, p.Lys1074Arg (NM_001129827.2, NM_001129832.2, NM_199460.4); c.3161A>G, p.Lys1054Arg (NM_001129829.2, NM_001129830.3, NM_001129831.2 and 15 more transcripts); c.3152A>G, p.Lys1051Arg (NM_001129844.2); short protein forms K1054R, K1074R, K1051R.
Identifiers: ClinVar variation 574016 (VCV000574016.11), dbSNP rs1305965146, ClinGen allele CA383374347.